The following is an entry in ClinVar:

NM_000019.4(ACAT1):c.252del (p.Glu85fs)

Gene: ACAT1 (acetyl-CoA acetyltransferase 1; plus strand). Cytogenetic location: 11q22.3.
Variant type: Deletion.
Coding change: c.252del on transcript NM_000019.4 (MANE Select); coding-DNA position 252, one base deleted (A; older notation c.252delA).
Protein change: p.Glu85fs; shifts the reading frame from glutamic acid 85.
Molecular consequence: frameshift variant. On other transcripts: 5 prime UTR variant (10), non-coding transcript variant (2), intron variant (1).
Genome position (GRCh38, 1-based): chr11:108,134,234, A deleted; the last of 2 consecutive A bases (chr11:108,134,233-108,134,234); deleting either gives the same sequence. VCF-style (leftmost placement, unchanged base first): chr11-108134232-GA-G. GRCh37 (hg19) VCF-style: chr11-108004959-GA-G.
Other names: c.252del, p.Glu85fs (NM_001386677.1); c.-26del (NM_001386679.1); c.-19del (NM_001386681.1, NM_001386682.1, NM_001386685.1 and 6 more transcripts); c.120+2280del (NM_001386678.1); short protein forms E85fs.
Identifiers: ClinVar variation 1172774 (VCV001172774.5), dbSNP rs2135336077, ClinGen allele CA2499220537.
Genomic context (GRCh38, chr11:108,134,232, plus strand): 5'-TATTAAATTGAATTAAATGCCTTTTTGACTTTTTTTTTTTTTAATAAAGGGATTCCAAAA[GA>G]AGAAGTGAAAGAAGCATACATGGGTAATGTTCTACAAGGAGGTGAAGGACAAGCTCCTAC-3'

ClinVar aggregate classification (germline): Pathogenic. Review status: criteria provided, multiple submitters, no conflicts (2 of 4 stars). 2 submissions from 2 submitters: Pathogenic (2). Last evaluated 2023-03-23.

Conditions:
Deficiency of acetyl-CoA acetyltransferase. Also called: MITOCHONDRIAL ACETOACETYL-CoA THIOLASE DEFICIENCY; 3-KETOTHIOLASE DEFICIENCY; 3-OXOTHIOLASE DEFICIENCY; Beta-ketothiolase deficiency. Identifiers: Orphanet 134, MedGen C1536500, MONDO:0008760, OMIM 203750. Disease mechanism: loss of function.

Submissions (2):

Labcorp Genetics (formerly Invitae), Labcorp
Classification: Pathogenic for Deficiency of acetyl-CoA acetyltransferase. Last evaluated: 2023-03-23. Review status: criteria provided, single submitter. Criteria: Invitae Variant Classification Sherloc (09022015). Collection method: clinical testing. Allele origin: germline.
Comment: For these reasons, this variant has been classified as Pathogenic. ClinVar contains an entry for this variant (Variation ID: 1172774). This premature translational stop signal has been observed in individual(s) with clinical features of beta-ketothiolase deficiency (PMID: 34298581). This variant is not present in population databases (gnomAD no frequency). This sequence change creates a premature translational stop signal (p.Glu85Lysfs*2) in the ACAT1 gene. It is expected to result in an absent or disrupted protein product. Loss-of-function variants in ACAT1 are known to be pathogenic (PMID: 7749408).

The Laboratory of Genetics and Metabolism, Hunan Children’s Hospital
Classification: Pathogenic for Deficiency of acetyl-CoA acetyltransferase. Last evaluated: 2021-03-06. Review status: criteria provided, single submitter. Criteria: ACMG Guidelines, 2015. Collection method: research. Allele origin: maternal. Affected: yes. Observed: 1 variant allele.
Comment: In compound heterozygosity following autosomal recessive inheritance.

Literature cited by the submitters: PubMed 34298581 (cited by Labcorp Genetics (formerly Invitae), Labcorp and The Laboratory of Genetics and Metabolism, Hunan Children’s Hospital); PubMed 7749408 (cited by Labcorp Genetics (formerly Invitae), Labcorp).